The following is an entry in ClinVar:

ClinVar aggregate classification (germline): Uncertain significance (1 of 4 stars; one submission).

Conditions:
Brugada syndrome. Also called: Sudden unexpected nocturnal death syndrome; Sudden unexplained nocturnal death syndrome; Sudden Unexplained Death Syndrome; Sudden Unexplained Nocturnal Death Syndrome (SUNDS). Identifiers: Orphanet 130, MedGen C1142166, MONDO:0015263.

Submission:

Labcorp Genetics (formerly Invitae), Labcorp
Classification: Uncertain significance for Brugada syndrome. Last evaluated: 2021-08-28. Review status: criteria provided, single submitter. Criteria: Invitae Variant Classification Sherloc (09022015). Collection method: clinical testing. Allele origin: germline.
Comment: In summary, the available evidence is currently insufficient to determine the role of this variant in disease. Therefore, it has been classified as a Variant of Uncertain Significance. Algorithms developed to predict the effect of missense changes on protein structure and function (SIFT, PolyPhen-2, Align-GVGD) all suggest that this variant is likely to be tolerated. This variant has not been reported in the literature in individuals affected with KCNE5-related conditions. The frequency data for this variant in the population databases is considered unreliable, as metrics indicate insufficient coverage at this position in the ExAC database. This sequence change replaces arginine with leucine at codon 124 of the KCNE5 protein (p.Arg124Leu). The arginine residue is weakly conserved and there is a moderate physicochemical difference between arginine and leucine.

NM_012282.4(KCNE5):c.371G>T (p.Arg124Leu)

Gene: KCNE5 (potassium voltage-gated channel subfamily E regulatory subunit 5; minus strand). Cytogenetic location: Xq23.
Variant type: single nucleotide variant.
Coding change: c.371G>T on transcript NM_012282.4 (MANE Select); coding-DNA position 371, G replaced by T.
Protein change: p.Arg124Leu; replaces arginine 124 with leucine.
Molecular consequence: missense variant.
Genome position (GRCh38, 1-based): chrX:109,624,650, C>A on the plus strand (G>T on the coding strand, the complement: KCNE5 is on the minus strand). VCF-style: chrX-109624650-C-A. GRCh37 (hg19) VCF-style: chrX-108867879-C-A.
Other names: short protein forms R124L.
Identifiers: ClinVar variation 1476645 (VCV001476645.6), dbSNP rs2147333758, ClinGen allele CA414213006.